The following is an entry in ClinVar:

ClinVar aggregate classification (germline): Uncertain significance. Review status: criteria provided, multiple submitters, no conflicts (2 of 4 stars). 2 submissions from 2 submitters: Uncertain significance (2). Last evaluated 2025-04-17.

Conditions:
Inborn genetic diseases. Identifiers: MedGen C0950123, MeSH D030342.

Allele frequency attached by ClinVar (database versions not stated): TOPMed below 0.00001.

Submissions (2):

Ambry Genetics
Classification: Uncertain significance for Inborn genetic diseases. Last evaluated: 2025-04-17. Review status: criteria provided, single submitter. Criteria: Ambry Variant Classification Scheme 2023. Collection method: clinical testing. Allele origin: germline.

Labcorp Genetics (formerly Invitae), Labcorp
Classification: Uncertain significance. Last evaluated: 2021-12-02. Review status: criteria provided, single submitter. Criteria: Invitae Variant Classification Sherloc (09022015). Collection method: clinical testing. Allele origin: germline.
Comment: Algorithms developed to predict the effect of missense changes on protein structure and function output the following: SIFT: "Tolerated"; PolyPhen-2: "Benign"; Align-GVGD: "Class C0". The leucine amino acid residue is found in multiple mammalian species, which suggests that this missense change does not adversely affect protein function. In summary, the available evidence is currently insufficient to determine the role of this variant in disease. Therefore, it has been classified as a Variant of Uncertain Significance. ClinVar contains an entry for this variant (Variation ID: 1040547). This variant has not been reported in the literature in individuals affected with MRPL44-related conditions. This variant is not present in population databases (gnomAD no frequency). This sequence change replaces isoleucine, which is neutral and non-polar, with leucine, which is neutral and non-polar, at codon 153 of the MRPL44 protein (p.Ile153Leu).

NM_022915.5(MRPL44):c.457A>C (p.Ile153Leu)

Gene: MRPL44 (mitochondrial ribosomal protein L44; plus strand). Cytogenetic location: 2q36.1.
Variant type: single nucleotide variant.
Coding change: c.457A>C on transcript NM_022915.5 (MANE Select); coding-DNA position 457, A replaced by C.
Protein change: p.Ile153Leu; replaces isoleucine 153 with leucine.
Molecular consequence: missense variant.
Genome position (GRCh38, 1-based): chr2:223,959,811, A>C. VCF-style: chr2-223959811-A-C. GRCh37 (hg19) VCF-style: chr2-224824528-A-C.
Other names: c.457A>C (NM_022915.3); short protein forms I153L.
Identifiers: ClinVar variation 1040547 (VCV001040547.9), dbSNP rs1689628271, ClinGen allele CA350806680.